The following is an entry in ClinVar:

NM_000321.3(RB1):c.-133T>G

Gene: RB1 (RB transcriptional corepressor 1; plus strand). Cytogenetic location: 13q14.2.
Variant type: single nucleotide variant.
Coding change: c.-133T>G on transcript NM_000321.3 (MANE Select); 133 bases upstream of the start codon, T replaced by G.
Molecular consequence: 5 prime UTR variant.
Genome position (GRCh38, 1-based): chr13:48,303,780, T>G. VCF-style: chr13-48303780-T-G. GRCh37 (hg19) VCF-style: chr13-48877916-T-G.
Other names: c.-133T>G (NM_001407165.1, NM_001407166.1, NM_001407167.1).
Identifiers: ClinVar variation 3607990 (VCV003607990.2).

ClinVar aggregate classification (germline): Uncertain significance (1 of 4 stars; one submission).

Conditions:
Retinoblastoma (RB1). Also called: RETINOBLASTOMA, SOMATIC. Identifiers: Orphanet 790, MedGen C0035335, MeSH D012175, MONDO:0008380, OMIM 180200, HP:0009919. Disease mechanism: loss of function. Inheritance: Both sporadic and heritable forms are tested..

Submission:

Labcorp Genetics (formerly Invitae), Labcorp
Classification: Uncertain significance for Retinoblastoma. Last evaluated: 2025-12-08. Review status: criteria provided, single submitter. Criteria: Invitae Variant Classification Sherloc (09022015). Collection method: clinical testing. Allele origin: germline.
Comment: This variant occurs in a non-coding region of the RB1 gene. It does not change the encoded amino acid sequence of the RB1 protein. This variant is not present in population databases (gnomAD no frequency). This variant has not been reported in the literature in individuals affected with RB1-related conditions. ClinVar contains an entry for this variant (Variation ID: 3607990). In summary, the available evidence is currently insufficient to determine the role of this variant in disease. Therefore, it has been classified as a Variant of Uncertain Significance.